The following is an entry in ClinVar:

ClinVar aggregate classification (germline): Uncertain significance (1 of 4 stars; one submission).

Conditions:
X-linked lymphoproliferative disease due to XIAP deficiency. Also called: XIAP-Related Lymphoproliferative Disease, X-Linked; XIAP DEFICIENCY. Identifiers: Orphanet 2442, Orphanet 538934, MedGen C1845076, MONDO:0010385, OMIM 300635.

Allele frequency attached by ClinVar (database versions not stated): gnomAD exomes below 0.00001.
gnomAD v4.1: 1 of 1,203,177 alleles (0.000083%); highest among the groups gnomAD compares: Non-Finnish European, 0.00011%; no homozygotes.

Submission:

Labcorp Genetics (formerly Invitae), Labcorp
Classification: Uncertain significance for X-linked lymphoproliferative disease due to XIAP deficiency. Last evaluated: 2023-05-26. Review status: criteria provided, single submitter. Criteria: Invitae Variant Classification Sherloc (09022015). Collection method: clinical testing. Allele origin: germline.
Comment: This sequence change replaces threonine, which is neutral and polar, with alanine, which is neutral and non-polar, at codon 356 of the XIAP protein (p.Thr356Ala). This variant is not present in population databases (gnomAD no frequency). This variant has not been reported in the literature in individuals affected with XIAP-related conditions. Advanced modeling of protein sequence and biophysical properties (such as structural, functional, and spatial information, amino acid conservation, physicochemical variation, residue mobility, and thermodynamic stability) performed at Invitae indicates that this missense variant is not expected to disrupt XIAP protein function. In summary, the available evidence is currently insufficient to determine the role of this variant in disease. Therefore, it has been classified as a Variant of Uncertain Significance.

NM_001167.4(XIAP):c.1066A>G (p.Thr356Ala)

Gene: XIAP (X-linked inhibitor of apoptosis; plus strand). Cytogenetic location: Xq25.
Variant type: single nucleotide variant.
Coding change: c.1066A>G on transcript NM_001167.4 (MANE Select); coding-DNA position 1066, A replaced by G.
Protein change: p.Thr356Ala; replaces threonine 356 with alanine.
Molecular consequence: missense variant. On other transcripts: non-coding transcript variant (2).
Genome position (GRCh38, 1-based): chrX:123,892,740, A>G. VCF-style: chrX-123892740-A-G. GRCh37 (hg19) VCF-style: chrX-123026590-A-G.
Other names: c.1066A>G, p.Thr356Ala (NM_001204401.2, NM_001378590.1, NM_001378591.1 and 1 more transcripts); short protein forms T356A.
Identifiers: ClinVar variation 2852144 (VCV002852144.3), dbSNP rs2522599115, ClinGen allele CA414125617.